The following is an entry in ClinVar:

ClinVar aggregate classification (germline): Uncertain significance (1 of 4 stars; one submission).

Conditions:
T-B+ severe combined immunodeficiency due to JAK3 deficiency. Also called: SCID, autosomal recessive, T-negative/B-positive type; SCID, T CELL-NEGATIVE, B CELL-POSITIVE, NK CELL-NEGATIVE. Identifiers: Orphanet 35078, MedGen C1833275, MONDO:0010938, OMIM 600802.

Submission:

Labcorp Genetics (formerly Invitae), Labcorp
Classification: Uncertain significance for T-B+ severe combined immunodeficiency due to JAK3 deficiency. Last evaluated: 2022-03-27. Review status: criteria provided, single submitter. Criteria: Invitae Variant Classification Sherloc (09022015). Collection method: clinical testing. Allele origin: germline.
Comment: This variant results in a copy number gain of the genomic region encompassing exon(s) 2-8 of the JAK3 gene. This region includes the initiator codon of the gene. This copy number gain extends beyond the assayed region for this gene and therefore may encompass additional genes. As the precise location of this event is unknown, it may be in tandem or it may be located elsewhere in the genome. This variant has not been reported in the literature in individuals affected with JAK3-related conditions. Experimental studies and prediction algorithms are not available or were not evaluated, and the functional significance of this variant is currently unknown. In summary, the available evidence is currently insufficient to determine the role of this variant in disease. Therefore, it has been classified as a Variant of Uncertain Significance.

NC_000019.9:g.(?_17952178)_(17955226_?)dup

Gene: JAK3 (Janus kinase 3; minus strand). Cytogenetic location: 19p13.11.
Variant type: Duplication.
Identifiers: ClinVar variation 2422589 (VCV002422589.1).